The following is an entry in ClinVar:

NM_006393.3(NEBL):c.2686G>A (p.Asp896Asn)

Gene: NEBL (nebulette; minus strand). Cytogenetic location: 10p12.31.
Variant type: single nucleotide variant.
Coding change: c.2686G>A on transcript NM_006393.3 (MANE Select); coding-DNA position 2686, G replaced by A.
Protein change: p.Asp896Asn; replaces aspartic acid 896 with asparagine.
Molecular consequence: missense variant. On other transcripts: intron variant (9).
Genome position (GRCh38, 1-based): chr10:20,808,585, C>T on the plus strand (G>A on the coding strand, the complement: NEBL is on the minus strand). VCF-style: chr10-20808585-C-T. GRCh37 (hg19) VCF-style: chr10-21097514-C-T.
Other names: c.421+4184G>A (NM_001377326.1, NM_001377327.1, NM_001377328.1); c.529+4184G>A (NM_213569.2, NM_001173484.2); c.622+1221G>A (NM_001377322.1); c.472+4184G>A (NM_001377324.1); c.463+4184G>A (NM_001377325.1); c.481+4184G>A (NM_001377323.1); short protein forms D896N.
Identifiers: ClinVar variation 2719046 (VCV002719046.4), dbSNP rs763508486, ClinGen allele CA5432363.

ClinVar aggregate classification (germline): Uncertain significance. Review status: criteria provided, multiple submitters, no conflicts (2 of 4 stars). 2 submissions from 2 submitters: Uncertain significance (2). Last evaluated 2026-01-12.

Conditions:
Primary dilated cardiomyopathy (DCM). Also called: Dilated Cardiomyopathy. Identifiers: Orphanet 217604, MedGen C0007193, MeSH D002311, MONDO:0005021, HP:0001644. Inheritance: Various modes of inheritance.

Allele frequency attached by ClinVar (database versions not stated): gnomAD exomes 0.00001; ExAC 0.00001.
gnomAD v4.1: 10 of 1,613,518 alleles (0.00062%); highest among the groups gnomAD compares: East Asian, 0.0022%; no homozygotes.

Submissions (2):

Labcorp Genetics (formerly Invitae), Labcorp
Classification: Uncertain significance for Primary dilated cardiomyopathy. Last evaluated: 2026-01-12. Review status: criteria provided, single submitter. Criteria: Invitae Variant Classification Sherloc (09022015). Collection method: clinical testing. Allele origin: germline.
Comment: This sequence change replaces aspartic acid, which is acidic and polar, with asparagine, which is neutral and polar, at codon 896 of the NEBL protein (p.Asp896Asn). This variant is present in population databases (rs763508486, gnomAD 0.003%). This variant has not been reported in the literature in individuals affected with NEBL-related conditions. ClinVar contains an entry for this variant (Variation ID: 2719046). An algorithm developed to predict the effect of missense changes on protein structure and function (PolyPhen-2) suggests that this variant is likely to be tolerated. In summary, the available evidence is currently insufficient to determine the role of this variant in disease. Therefore, it has been classified as a Variant of Uncertain Significance.

Ambry Genetics
Classification: Uncertain significance. Last evaluated: 2023-12-07. Review status: criteria provided, single submitter. Criteria: Ambry Variant Classification Scheme 2023. Collection method: clinical testing. Allele origin: germline.
Comment: The p.D896N variant (also known as c.2686G>A), located in coding exon 26 of the NEBL gene, results from a G to A substitution at nucleotide position 2686. The aspartic acid at codon 896 is replaced by asparagine, an amino acid with highly similar properties. This amino acid position is conserved. In addition, this alteration is predicted to be tolerated by in silico analysis. Since supporting evidence is limited at this time, the clinical significance of this alteration remains unclear.